The following is an entry in ClinVar:

ClinVar aggregate classification (germline): Uncertain significance (1 of 4 stars; one submission).

Conditions:
Hereditary breast ovarian cancer syndrome. Also called: Hereditary breast and ovarian cancer; Hereditary breast and ovarian cancer syndrome (HBOC); Hereditary breast and ovarian cancer syndrome; BRCA1- and BRCA2-Associated Hereditary Breast and Ovarian Cancer; Hereditary breast and/or ovarian cancer syndrome; Breast and ovarian cancer. Identifiers: Orphanet 145, MedGen C0677776, MeSH D061325, MONDO:0003582. Disease mechanism: loss of function.

Submission:

Labcorp Genetics (formerly Invitae), Labcorp
Classification: Uncertain significance for Hereditary breast ovarian cancer syndrome. Last evaluated: 2020-07-07. Review status: criteria provided, single submitter. Criteria: Invitae Variant Classification Sherloc (09022015). Collection method: clinical testing. Allele origin: germline.
Comment: In summary, the available evidence is currently insufficient to determine the role of this variant in disease. Therefore, it has been classified as a Variant of Uncertain Significance. Experimental studies and prediction algorithms are not available for this variant, and the functional significance of this non-coding change is currently unknown. This variant has not been reported in the literature in individuals with BRCA2-related conditions. This variant is not present in population databases (ExAC no frequency). This variant occurs in a non-coding region of the BRCA2 gene. It does not change the encoded amino acid sequence of the BRCA2 protein.

NM_000059.4(BRCA2):c.-6_-5dup

Gene: BRCA2 (BRCA2 DNA repair associated; plus strand). Cytogenetic location: 13q13.1.
Variant type: Duplication.
Coding change: c.-6_-5dup on transcript NM_000059.4 (MANE Select); 6 bases upstream of the start codon through 5 bases upstream of the start codon, 2 bases duplicated (GT; older notation c.-6_-5dupGT).
Molecular consequence: 5 prime UTR variant.
Genome position (GRCh38, 1-based): chr13:32,316,455-32,316,456, GT duplicated. VCF-style (leftmost placement, unchanged base first): chr13-32316454-G-GGT. GRCh37 (hg19) VCF-style: chr13-32890591-G-GGT.
Identifiers: ClinVar variation 1027331 (VCV001027331.9), dbSNP rs2072260373, ClinGen allele CA2082775510.